The following is an entry in ClinVar:

NM_001613.4(ACTA2):c.119C>G (p.Pro40Arg)

Gene: ACTA2 (actin alpha 2, smooth muscle; minus strand). Cytogenetic location: 10q23.31.
Variant type: single nucleotide variant.
Coding change: c.119C>G on transcript NM_001613.4 (MANE Select); coding-DNA position 119, C replaced by G.
Protein change: p.Pro40Arg; replaces proline 40 with arginine.
Molecular consequence: missense variant.
Genome position (GRCh38, 1-based): chr10:88,948,812, G>C on the plus strand (C>G on the coding strand, the complement: ACTA2 is on the minus strand). VCF-style: chr10-88948812-G-C. GRCh37 (hg19) VCF-style: chr10-90708569-G-C.
Other names: c.119C>G, p.Pro40Arg (NM_001141945.3, NM_001320855.2, NM_001406462.1 and 7 more transcripts); short protein forms P40R.
Identifiers: ClinVar variation 5007748 (VCV005007748.2).

ClinVar aggregate classification (germline): Uncertain significance (1 of 4 stars; one submission).

Conditions:
Moyamoya disease 5 (MYMY5). Identifiers: Orphanet 2573, MedGen C3279690, MONDO:0013542, OMIM 614042.
Multisystemic smooth muscle dysfunction syndrome (SMDYS). Also called: SMOOTH MUSCLE DYSFUNCTION SYNDROME; MYDRIASIS, CONGENITAL, WITH PATENT DUCTUS ARTERIOSUS, THORACIC AORTIC ANEURYSM, AND VASCULOPATHY. Identifiers: Orphanet 404463, MedGen C3151201, MONDO:0013452, OMIM 613834.
Aortic aneurysm, familial thoracic 6 (AAT6). Also called: FAMILIAL THORACIC AORTIC ANEURYSM WITH LIVEDO RETICULARIS AND IRIS FLOCCULI. Identifiers: MedGen C2673186, MONDO:0012730, OMIM 611788.

Submission:

Juno Genomics, Hangzhou Juno Genomics, Inc
Classification: Uncertain significance for Multisystemic smooth muscle dysfunction syndrome; Aortic aneurysm, familial thoracic 6; Moyamoya disease 5. Review status: criteria provided, single submitter. Criteria: ACMG Guidelines, 2015. Collection method: clinical testing. Allele origin: germline.
Comment: Absent from controls (or at extremely low frequency if recessive) in Genome Aggregation Database.;Observed in a healthy adult individual for a recessive/dominant/X-linked disorder with full penetrance.;Multiple lines of computational evidence support a deleterious effect on the gene or gene product.;Missense variant in a gene that has a low rate of benign missense variation.